The following is an entry in ClinVar:

NM_030780.5(SLC25A32):c.828_830del (p.Gly277del)

Gene: SLC25A32 (solute carrier family 25 member 32; minus strand). Cytogenetic location: 8q22.3.
Variant type: Deletion.
Coding change: c.828_830del on transcript NM_030780.5 (MANE Select); coding-DNA positions 828 to 830, 3 bases deleted (TGG; older notation c.828_830delTGG).
Protein change: p.Gly277del; deletes glycine 277.
Molecular consequence: inframe deletion. On other transcripts: non-coding transcript variant (2).
Genome position (GRCh38, 1-based): chr8:103,400,529-103,400,531, CCA deleted on the plus strand (TGG on the coding strand, the reverse complement: SLC25A32 is on the minus strand); deleting any 3 consecutive bases within chr8:103,400,529-103,400,533 gives the same sequence; the c. name uses the placement nearest the transcript's 3' end. VCF-style (leftmost placement, unchanged base first): chr8-103400528-TCCA-T. GRCh37 (hg19) VCF-style: chr8-104412756-TCCA-T.
Other names: short protein forms G277del.
Identifiers: ClinVar variation 2005381 (VCV002005381.4), dbSNP rs2488186622, ClinGen allele CA2580078508.

ClinVar aggregate classification (germline): Uncertain significance (1 of 4 stars; one submission).

Submission:

Labcorp Genetics (formerly Invitae), Labcorp
Classification: Uncertain significance. Last evaluated: 2022-06-22. Review status: criteria provided, single submitter. Criteria: Invitae Variant Classification Sherloc (09022015). Collection method: clinical testing. Allele origin: germline.
Comment: This variant, c.828_830del, results in the deletion of 1 amino acid(s) of the SLC25A32 protein (p.Gly277del), but otherwise preserves the integrity of the reading frame. Experimental studies and prediction algorithms are not available or were not evaluated, and the functional significance of this variant is currently unknown. This variant has not been reported in the literature in individuals affected with SLC25A32-related conditions. This variant is not present in population databases (gnomAD no frequency). In summary, the available evidence is currently insufficient to determine the role of this variant in disease. Therefore, it has been classified as a Variant of Uncertain Significance.